The following is an entry in ClinVar:

NM_017934.7(PHIP):c.1971A>G (p.Arg657=)

Gene: PHIP (PHIP subunit of CUL4-Ring ligase complex; minus strand). Cytogenetic location: 6q14.1.
Variant type: single nucleotide variant.
Coding change: c.1971A>G on transcript NM_017934.7 (MANE Select); coding-DNA position 1971, A replaced by G.
Protein change: p.Arg657=; no amino-acid change (arginine 657 retained).
Molecular consequence: synonymous variant.
Genome position (GRCh38, 1-based): chr6:78,998,300, T>C on the plus strand (A>G on the coding strand, the complement: PHIP is on the minus strand). VCF-style: chr6-78998300-T-C. GRCh37 (hg19) VCF-style: chr6-79708017-T-C.
Other names: c.1971A>G (NM_017934.6).
Identifiers: ClinVar variation 1940040 (VCV001940040.30), dbSNP rs377164524, ClinGen allele CA3900072.

ClinVar aggregate classification (germline): Benign. Review status: criteria provided, multiple submitters, no conflicts (2 of 4 stars). 3 submissions from 3 submitters: Benign (2). 1 of the submissions does not count toward it. Last evaluated 2025-12-15.

Conditions:
PHIP-related disorder. Also called: PHIP-related condition; PHIP-related disorders.

Allele frequency attached by ClinVar (database versions not stated): TOPMed 0.00005; ESP Exome Variant Server 0.00008; gnomAD 0.00009; ExAC 0.00017; 1000 Genomes Project 0.00060; 1000 Genomes Project 30x 0.00062.
gnomAD v4.1: 156 of 1,611,422 alleles (0.0097%); highest among the groups gnomAD compares: South Asian, 0.11%; no homozygotes.

Submissions (3):

Labcorp Genetics (formerly Invitae), Labcorp
Classification: Benign. Last evaluated: 2025-12-15. Review status: criteria provided, single submitter. Criteria: Invitae Variant Classification Sherloc (09022015). Collection method: clinical testing. Allele origin: germline.

CeGaT Center for Human Genetics Tuebingen
Classification: Benign. Last evaluated: 2022-10-01. Review status: criteria provided, single submitter. Criteria: CeGaT Center For Human Genetics Tuebingen Variant Classification Criteria Version 2. Collection method: clinical testing. Allele origin: germline. Affected: yes. Observed: 1 variant allele.
Comment: PHIP: BS1, BS2

PreventionGenetics, part of Exact Sciences
Classification: Likely benign for PHIP-related condition. Last evaluated: 2023-03-09. Review status: no assertion criteria provided. Collection method: clinical testing. Allele origin: germline. Not counted in ClinVar's aggregate classification.
Comment: This variant is classified as likely benign based on ACMG/AMP sequence variant interpretation guidelines (Richards et al. 2015 PMID: 25741868, with internal and published modifications).